The following is an entry in ClinVar:

ClinVar aggregate classification (germline): Uncertain significance (1 of 4 stars; one submission).

Submission:

Ambry Genetics
Classification: Uncertain significance. Last evaluated: 2024-12-09. Review status: criteria provided, single submitter. Criteria: Ambry Variant Classification Scheme 2023. Collection method: clinical testing. Allele origin: germline.
Comment: The p.C675W variant (also known as c.2025C>G), located in coding exon 1 of the MLH3 gene, results from a C to G substitution at nucleotide position 2025. The cysteine at codon 675 is replaced by tryptophan, an amino acid with highly dissimilar properties. This amino acid position is conserved. In addition, this alteration is predicted to be tolerated by in silico analysis. Based on the available evidence, the clinical significance of this variant remains unclear.

NM_001040108.2(MLH3):c.2025C>G (p.Cys675Trp)

Gene: MLH3 (mutL homolog 3; minus strand). Cytogenetic location: 14q24.3.
Variant type: single nucleotide variant.
Coding change: c.2025C>G on transcript NM_001040108.2 (MANE Select); coding-DNA position 2025, C replaced by G.
Protein change: p.Cys675Trp; replaces cysteine 675 with tryptophan.
Molecular consequence: missense variant.
Genome position (GRCh38, 1-based): chr14:75,047,631, G>C on the plus strand (C>G on the coding strand, the complement: MLH3 is on the minus strand). VCF-style: chr14-75047631-G-C. GRCh37 (hg19) VCF-style: chr14-75514334-G-C.
Other names: c.2025C>G, p.Cys675Trp (NM_014381.3); short protein forms C675W.
Identifiers: ClinVar variation 3396792 (VCV003396792.1).
Genomic context (GRCh38, chr14:75,047,631, plus strand): 5'-AGAAAACATTGTATAAGTTGCTGTAGGTTCATTCTCTAGCCCATAACTTATATTCGTTCT[G>C]CAATTTTTTTTGTTGGGCAATTGACCAGATTCTTTACTTAAAGTGCTGGCTAAATCTTTG-3'
Protein context (NP_001035197.1, residues 665-685): ESGQLPNKKN[Cys675Trp]RTNISYGLEN